The following is an entry in ClinVar:

NM_000516.7(GNAS):c.677G>A (p.Gly226Asp)

Gene: GNAS (GNAS complex locus; plus strand). Cytogenetic location: 20q13.32.
Variant type: single nucleotide variant.
Coding change: c.677G>A on transcript NM_000516.7 (MANE Select); coding-DNA position 677, G replaced by A.
Protein change: p.Gly226Asp; replaces glycine 226 with aspartic acid.
Molecular consequence: missense variant. On other transcripts: 3 prime UTR variant (2).
Genome position (GRCh38, 1-based): chr20:58,909,538, G>A. VCF-style: chr20-58909538-G-A. GRCh37 (hg19) VCF-style: chr20-57484593-G-A.
Other names: c.680G>A, p.Gly227Asp (NM_001077488.5); c.632G>A, p.Gly211Asp (NM_001077489.4); c.*538G>A (NM_001077490.3); c.500G>A, p.Gly167Asp (NM_001309840.2, NM_001309861.2); c.*583G>A (NM_016592.5); c.2606G>A, p.Gly869Asp (NM_080425.4); c.635G>A, p.Gly212Asp (NM_080426.4); short protein forms G167D, G211D, G212D, G226D, G227D, G869D.
Identifiers: ClinVar variation 1315889 (VCV001315889.4), dbSNP rs2146278333, ClinGen allele CA409452297.

ClinVar aggregate classification (germline): Likely pathogenic. Review status: criteria provided, multiple submitters, no conflicts (2 of 4 stars). 2 submissions from 2 submitters: Likely pathogenic (2). Last evaluated 2023-11-29.

Conditions:
GNAS-related disorder. Identifiers: MedGen CN380105.

Submissions (2):

GeneDx
Classification: Likely pathogenic. Last evaluated: 2023-11-29. Review status: criteria provided, single submitter. Criteria: GeneDx Variant Classification Process June 2021. Collection method: clinical testing. Allele origin: germline. Affected: yes.
Comment: Not observed at significant frequency in large population cohorts (gnomAD); In silico analysis supports that this missense variant has a deleterious effect on protein structure/function; Has not been previously published in the germline as pathogenic or benign to our knowledge; This variant is associated with the following publications: (PMID: 36941703)

Blueprint Genetics
Classification: Likely pathogenic for GNAS-related disorders. Last evaluated: 2021-12-07. Review status: criteria provided, single submitter. Criteria: ACMG Guidelines, 2015. Collection method: clinical testing. Allele origin: germline. Affected: yes. Observed: 1 variant allele.